The following is an entry in ClinVar:

ClinVar aggregate classification (germline): Likely pathogenic (1 of 4 stars; one submission).

Conditions:
AKR1D1-related disorder. Also called: AKR1D1-related condition.

Submission:

PreventionGenetics, part of Exact Sciences
Classification: Likely pathogenic for AKR1D1-related condition. Last evaluated: 2023-04-06. Review status: criteria provided, single submitter. Criteria: ACMG Guidelines, 2015. Collection method: clinical testing. Allele origin: germline.
Comment: The AKR1D1 c.579+2_579+4delinsA variant is predicted to result in an in-frame deletion and insertion. To our knowledge, this variant has not been reported in the literature or in a large population database, indicating it is rare. AKR1D1 splicing variants, predicted to disrupt translation, have been associated with disease. One example, affecting the same splice donor (c.579+2delT) was reported in compound heterozygousity with a nonsense variant in an individual with congenital bile acid synthesis defect, type 2 (Cheng. 2017. PubMed ID: 28697823. This information was obtained from the abstract. The article is only available in Chinese). Taken together, the c.579+2_579+4delinsA variant is interpreted as likely pathogenic.

NM_005989.4(AKR1D1):c.579+2_579+4delinsA

Gene: AKR1D1 (aldo-keto reductase family 1 member D1; plus strand). Cytogenetic location: 7q33.
Variant type: Indel.
Coding change: c.579+2_579+4delinsA on transcript NM_005989.4 (MANE Select); the canonical splice donor site of the intron after coding-DNA position 579 through 4 bases into the intron after coding-DNA position 579, TAC replaced by A.
Molecular consequence: splice donor variant. On other transcripts: intron variant (1).
Genome position (GRCh38, 1-based): chr7:138,105,431-138,105,433, TAC replaced by A. VCF-style: chr7-138105431-TAC-A. GRCh37 (hg19) VCF-style: chr7-137790177-TAC-A.
Other names: c.579+2_579+4delinsA (NM_001190907.2); c.457-1177_457-1175delinsA (NM_001190906.2).
Identifiers: ClinVar variation 2633903 (VCV002633903.1), dbSNP rs2536095242, ClinGen allele CA2695199638.